The following is an entry in ClinVar:

ClinVar aggregate classification (germline): Likely benign (1 of 4 stars; one submission).

Submission:

CeGaT Center for Human Genetics Tuebingen
Classification: Likely benign. Last evaluated: 2022-09-01. Review status: criteria provided, single submitter. Criteria: CeGaT Center For Human Genetics Tuebingen Variant Classification Criteria Version 2. Collection method: clinical testing. Allele origin: germline. Affected: yes. Observed: 1 variant allele.
Comment: ANKRD11: PM2:Supporting, BP4, BP7

NM_013275.6(ANKRD11):c.6963C>G (p.Ala2321=)

Gene: ANKRD11 (ankyrin repeat domain 11; minus strand). Cytogenetic location: 16q24.3.
Variant type: single nucleotide variant.
Coding change: c.6963C>G on transcript NM_013275.6 (MANE Select); coding-DNA position 6963, C replaced by G.
Protein change: p.Ala2321=; no amino-acid change (alanine 2321 retained).
Molecular consequence: synonymous variant.
Genome position (GRCh38, 1-based): chr16:89,279,579, G>C on the plus strand (C>G on the coding strand, the complement: ANKRD11 is on the minus strand). VCF-style: chr16-89279579-G-C. GRCh37 (hg19) VCF-style: chr16-89345987-G-C.
Other names: c.6963C>G, p.Ala2321= (NM_001256182.2, NM_001256183.2).
Identifiers: ClinVar variation 2647058 (VCV002647058.24), dbSNP rs747782477, ClinGen allele CA286509641.